The following is an entry in ClinVar:

ClinVar aggregate classification (germline): Pathogenic/Likely pathogenic. Review status: criteria provided, multiple submitters, no conflicts (2 of 4 stars). 6 submissions from 6 submitters: Pathogenic (2); Likely pathogenic (4). Last evaluated 2025-12-30.

Conditions:
Neurofibromatosis, type 1 (NF1). Also called: Neurofibromatosis, type I; VON RECKLINGHAUSEN DISEASE; Peripheral type neurofibromatosis; NEUROFIBROMATOSIS, TYPE I, SOMATIC. Identifiers: Orphanet 636, MedGen C0027831, MONDO:0018975, OMIM 162200. Disease mechanism: loss of function.
NF1-related disorder. Also called: NF1-related condition. Identifiers: MedGen CN379171.

Submissions (6):

Victorian Clinical Genetics Services, Murdoch Childrens Research Institute
Classification: Pathogenic for Neurofibromatosis, type 1. Last evaluated: 2025-12-30. Review status: criteria provided, single submitter. Criteria: ACMG Guidelines, 2015. Collection method: clinical testing. Allele origin: germline. Affected: yes.
Comment: This variant is classified as Pathogenic. Evidence in support of pathogenic classification: Variant is absent from gnomAD (v2, v3 and v4); This variant has strong previous evidence of pathogenicity in unrelated individuals. This variant has been classified as likely pathogenic or pathogenic by multiple clinical laboratories in ClinVar and has been reported in an individual from a neurofibromatosis type 1 patient cohort (PMID: 27322474); Other missense variants comparable to the one identified in this case have strong previous evidence for pathogenicity. The p.(Cys1016Arg) and p.(Cys1016Trp) variants have been classified as likely pathogenic or pathogenic, and the p.(Cys1016Phe) variant has been classified as a VUS or likely pathogenic by clinical laboratories in ClinVar; Missense variant in a region that is highly intolerant to missense variation (high constraint region in DECIPHER); Missense variant predicted to be damaging by in silico tool(s) or highly conserved with a major amino acid change. Additional information: Variant is predicted to result in a missense amino acid change from Cys to Tyr; This variant is heterozygous; This gene is associated with autosomal dominant disease; Loss of function is a known mechanism of disease in this gene and is associated with neurofibromatosis type 1 (MONDO:0018975); Variants in this gene are known to have variable expressivity. Disease manifestation can be extremely variable, even within a family (PMID: 20301288).

GeneDx
Classification: Likely pathogenic. Last evaluated: 2024-05-06. Review status: criteria provided, single submitter. Criteria: GeneDx Variant Classification Process June 2021. Collection method: clinical testing. Allele origin: germline. Affected: yes.
Comment: Identified in patients with NF1-Noonan syndrome and neurofibromatosis type 1 in published literature (PMID: 25541118, 27322474); Not observed in large population cohorts (gnomAD); In silico analysis supports that this missense variant has a deleterious effect on protein structure/function; This variant is associated with the following publications: (PMID: 25541118, 25486365, 2121369, 27322474)

Clinical Genetics Laboratory, Skane University Hospital Lund
Classification: Likely pathogenic. Last evaluated: 2023-11-28. Review status: criteria provided, single submitter. Criteria: ACMG Guidelines, 2015. Collection method: clinical testing. Allele origin: germline. Affected: yes.

Labcorp Genetics (formerly Invitae), Labcorp
Classification: Pathogenic for Neurofibromatosis, type 1. Last evaluated: 2022-08-23. Review status: criteria provided, single submitter. Criteria: Invitae Variant Classification Sherloc (09022015). Collection method: clinical testing. Allele origin: germline.
Comment: For these reasons, this variant has been classified as Pathogenic. This variant disrupts the p.Cys1016 amino acid residue in NF1. Other variant(s) that disrupt this residue have been determined to be pathogenic (PMID: 19665063; Invitae). This suggests that this residue is clinically significant, and that variants that disrupt this residue are likely to be disease-causing. Advanced modeling of protein sequence and biophysical properties (such as structural, functional, and spatial information, amino acid conservation, physicochemical variation, residue mobility, and thermodynamic stability) performed at Invitae indicates that this missense variant is expected to disrupt NF1 protein function. ClinVar contains an entry for this variant (Variation ID: 940554). This missense change has been observed in individuals with neurofibromatosis type 1 and/or Noonan syndrome (PMID: 25541118, 27322474; external communication). This variant is not present in population databases (gnomAD no frequency). This sequence change replaces cysteine, which is neutral and slightly polar, with tyrosine, which is neutral and polar, at codon 1016 of the NF1 protein (p.Cys1016Tyr).

Genome-Nilou Lab
Classification: Likely pathogenic for Neurofibromatosis, type 1. Last evaluated: 2022-03-15. Review status: criteria provided, single submitter. Criteria: ACMG Guidelines, 2015. Collection method: clinical testing. Allele origin: germline. Affected: no.

Blueprint Genetics
Classification: Likely pathogenic for NF1-related disorders. Last evaluated: 2021-08-12. Review status: criteria provided, single submitter. Criteria: ACMG Guidelines, 2015. Collection method: clinical testing. Allele origin: germline. Affected: yes. Observed: 2 variant alleles.

Literature cited by the submitters: PubMed 27322474 (cited by Victorian Clinical Genetics Services, Murdoch Childrens Research Institute and Labcorp Genetics (formerly Invitae), Labcorp); PubMed 20301288 (cited by Victorian Clinical Genetics Services, Murdoch Childrens Research Institute); PubMed 19665063 (cited by Labcorp Genetics (formerly Invitae), Labcorp); PubMed 25541118 (cited by Labcorp Genetics (formerly Invitae), Labcorp).

NM_001042492.3(NF1):c.3047G>A (p.Cys1016Tyr)

Gene: NF1 (neurofibromin 1; plus strand). Cytogenetic location: 17q11.2.
Variant type: single nucleotide variant.
Coding change: c.3047G>A on transcript NM_001042492.3 (MANE Select); coding-DNA position 3047, G replaced by A.
Protein change: p.Cys1016Tyr; replaces cysteine 1016 with tyrosine.
Molecular consequence: missense variant.
Genome position (GRCh38, 1-based): chr17:31,230,316, G>A. VCF-style: chr17-31230316-G-A. GRCh37 (hg19) VCF-style: chr17-29557334-G-A.
Other names: c.3047G>A, p.Cys1016Tyr (NM_000267.4); short protein forms C1016Y.
Identifiers: ClinVar variation 940554 (VCV000940554.16), dbSNP rs2067091492, ClinGen allele CA398987368.